The following is an entry in ClinVar:

ClinVar aggregate classification (germline): Conflicting classifications of pathogenicity. Review status: criteria provided, conflicting classifications (1 of 4 stars). 6 submissions from 6 submitters: Uncertain significance (1); Benign (2); Likely benign (3). Last evaluated 2026-03-30.

Conditions:
CIT-related disorder. Also called: CIT-related condition.
Inborn genetic diseases. Identifiers: MedGen C0950123, MeSH D030342.

Allele frequency attached by ClinVar (database versions not stated): gnomAD exomes 0.00014 and 0.00038; ExAC 0.00050; 1000 Genomes Project 0.00140; 1000 Genomes Project 30x 0.00141; gnomAD 0.00190 and 0.00202; ESP Exome Variant Server 0.00208; TOPMed 0.00216.
gnomAD v4.1: 519 of 1,613,580 alleles (0.032%); highest among the groups gnomAD compares: African/African-American, 0.59%; 1 homozygote.

Submissions (6):

PreventionGenetics, part of Exact Sciences
Classification: Likely benign for CIT-related condition. Last evaluated: 2026-03-30. Review status: criteria provided, single submitter. Criteria: ACMG Guidelines, 2015. Collection method: clinical testing. Allele origin: germline.
Comment: This variant is classified as likely benign based on ACMG/AMP sequence variant interpretation guidelines (Richards et al. 2015 PMID: 25741868, with internal and published modifications).

Labcorp Genetics (formerly Invitae), Labcorp
Classification: Benign. Last evaluated: 2025-08-12. Review status: criteria provided, single submitter. Criteria: Invitae Variant Classification Sherloc (09022015). Collection method: clinical testing. Allele origin: germline.

Women's Health and Genetics/Laboratory Corporation of America, LabCorp
Classification: Benign. Last evaluated: 2024-12-26. Review status: criteria provided, single submitter. Criteria: LabCorp Variant Classification Summary - May 2015. Collection method: clinical testing. Allele origin: germline.
Comment: Variant summary: CIT c.1296-5C>T alters a nucleotide located close to a canonical splice site and therefore could affect mRNA splicing, leading to a significantly altered protein sequence. Consensus agreement among computation tools predict no significant impact on normal splicing. However, these predictions have yet to be confirmed by functional studies. The variant allele was found at a frequency of 0.00038 in 250332 control chromosomes, predominantly at a frequency of 0.0054 within the African or African-American subpopulation in the gnomAD database. The observed variant frequency within African or African-American control individuals in the gnomAD database exceeds the estimated maximal expected allele frequency for a pathogenic variant in CIT causing Microcephaly 17, Primary, Autosomal Recessive phenotype. To our knowledge, no occurrence of c.1296-5C>T in individuals affected with Microcephaly 17, Primary, Autosomal Recessive and no experimental evidence demonstrating its impact on protein function have been reported. ClinVar contains an entry for this variant (Variation ID: 730328). Based on the evidence outlined above, the variant was classified as benign.

GeneDx
Classification: Likely benign. Last evaluated: 2021-01-27. Review status: criteria provided, single submitter. Criteria: GeneDx Variant Classification Process June 2021. Collection method: clinical testing. Allele origin: germline. Affected: yes.

Ambry Genetics
Classification: Uncertain significance for Inborn genetic diseases. Last evaluated: 2020-12-19. Review status: criteria provided, single submitter. Criteria: Ambry Variant Classification Scheme 2023. Collection method: clinical testing. Allele origin: germline.
Comment: The c.1296-5C>T intronic alteration consists of a C to T substitution 5 nucleotides before coding exon 10 in the CIT gene. Based on insufficient or conflicting evidence, the clinical significance of this alteration remains unclear.

Genetic Services Laboratory, University of Chicago
Classification: Likely benign. Last evaluated: 2018-01-19. Review status: criteria provided, single submitter. Criteria: ACMG Guidelines, 2015. Collection method: clinical testing. Allele origin: germline. Affected: no.

NM_001206999.2(CIT):c.1296-5C>T

Gene: CIT (citron rho-interacting serine/threonine kinase; minus strand). Cytogenetic location: 12q24.23.
Variant type: single nucleotide variant.
Coding change: c.1296-5C>T on transcript NM_001206999.2 (MANE Select); 5 bases into the intron before coding-DNA position 1296, C replaced by T.
Molecular consequence: intron variant.
Genome position (GRCh38, 1-based): chr12:119,785,070, G>A on the plus strand (C>T on the coding strand, the complement: CIT is on the minus strand). VCF-style: chr12-119785070-G-A. GRCh37 (hg19) VCF-style: chr12-120222874-G-A.
Other names: c.1296-5C>T (NM_007174.3).
Identifiers: ClinVar variation 730328 (VCV000730328.17), dbSNP rs182092782, ClinGen allele CA6822122.